The following is an entry in ClinVar:

ClinVar aggregate classification (germline): Uncertain significance (1 of 4 stars; one submission).

Submission:

Labcorp Genetics (formerly Invitae), Labcorp
Classification: Uncertain significance. Last evaluated: 2024-06-04. Review status: criteria provided, single submitter. Criteria: Invitae Variant Classification Sherloc (09022015). Collection method: clinical testing. Allele origin: germline.
Comment: This sequence change replaces phenylalanine, which is neutral and non-polar, with cysteine, which is neutral and slightly polar, at codon 1592 of the HUWE1 protein (p.Phe1592Cys). This variant is not present in population databases (gnomAD no frequency). This variant has not been reported in the literature in individuals affected with HUWE1-related conditions. Advanced modeling of protein sequence and biophysical properties (such as structural, functional, and spatial information, amino acid conservation, physicochemical variation, residue mobility, and thermodynamic stability) has been performed at Invitae for this missense variant, however the output from this modeling did not meet the statistical confidence thresholds required to predict the impact of this variant on HUWE1 protein function. In summary, the available evidence is currently insufficient to determine the role of this variant in disease. Therefore, it has been classified as a Variant of Uncertain Significance.

NM_031407.7(HUWE1):c.4775T>G (p.Phe1592Cys)

Gene: HUWE1 (HECT, UBA and WWE domain containing E3 ubiquitin protein ligase 1; minus strand). Cytogenetic location: Xp11.22.
Variant type: single nucleotide variant.
Coding change: c.4775T>G on transcript NM_031407.7 (MANE Select); coding-DNA position 4775, T replaced by G.
Protein change: p.Phe1592Cys; replaces phenylalanine 1592 with cysteine.
Molecular consequence: missense variant.
Genome position (GRCh38, 1-based): chrX:53,586,539, A>C on the plus strand (T>G on the coding strand, the complement: HUWE1 is on the minus strand). VCF-style: chrX-53586539-A-C. GRCh37 (hg19) VCF-style: chrX-53613499-A-C.
Other names: short protein forms F1592C.
Identifiers: ClinVar variation 3634925 (VCV003634925.2).